The following is an entry in ClinVar:

ClinVar aggregate classification (germline): Uncertain significance (1 of 4 stars; one submission).

Conditions:
Cone-rod dystrophy 6 (CORD6). Also called: RETINAL CONE DYSTROPHY 2; Cone dystrophy progressive. Identifiers: Orphanet 1872, MedGen C1866293, MONDO:0011143, OMIM 601777.
Leber congenital amaurosis 1 (LCA1). Also called: Congenital absence of the rods and cones; Leber's congenital tapetoretinal degeneration; Leber's congenital tapetoretinal dysplasia; RETINAL BLINDNESS, CONGENITAL; AMAUROSIS CONGENITA OF LEBER I. Identifiers: Orphanet 65, MedGen C2931258, MONDO:0008764, OMIM 204000.

Allele frequency attached by ClinVar (database versions not stated): gnomAD exomes below 0.00001.
gnomAD v4.1: 5 of 1,595,156 alleles (0.00031%); highest among the groups gnomAD compares: Non-Finnish European, 0.00042%; no homozygotes.

Submission:

Labcorp Genetics (formerly Invitae), Labcorp
Classification: Uncertain significance for Leber congenital amaurosis 1; Cone-rod dystrophy 6. Last evaluated: 2021-04-08. Review status: criteria provided, single submitter. Criteria: Invitae Variant Classification Sherloc (09022015). Collection method: clinical testing. Allele origin: germline.
Comment: This sequence change replaces threonine with methionine at codon 203 of the GUCY2D protein (p.Thr203Met). The threonine residue is moderately conserved and there is a moderate physicochemical difference between threonine and methionine. This variant is not present in population databases (ExAC no frequency). In summary, the available evidence is currently insufficient to determine the role of this variant in disease. Therefore, it has been classified as a Variant of Uncertain Significance. Algorithms developed to predict the effect of missense changes on protein structure and function are either unavailable or do not agree on the potential impact of this missense change (SIFT: "Deleterious"; PolyPhen-2: "Possibly Damaging"; Align-GVGD: "Class C0"). This variant has not been reported in the literature in individuals with GUCY2D-related conditions.

NM_000180.4(GUCY2D):c.608C>T (p.Thr203Met)

Gene: GUCY2D (guanylate cyclase 2D, retinal; plus strand). Cytogenetic location: 17p13.1.
Variant type: single nucleotide variant.
Coding change: c.608C>T on transcript NM_000180.4 (MANE Select); coding-DNA position 608, C replaced by T.
Protein change: p.Thr203Met; replaces threonine 203 with methionine.
Molecular consequence: missense variant.
Genome position (GRCh38, 1-based): chr17:8,003,655, C>T. VCF-style: chr17-8003655-C-T. GRCh37 (hg19) VCF-style: chr17-7906973-C-T.
Other names: short protein forms T203M.
Identifiers: ClinVar variation 1507102 (VCV001507102.8), dbSNP rs1975680589, ClinGen allele CA397944469.
Genomic context (GRCh38, chr17:8,003,655, plus strand): 5'-GCGTGGCCCTGGTCACCGCCCCCCAGGACCTGTGGGTGGAGGCGGGACGCTCACTGTCCA[C>T]GGCACTCAGGGCCCGGGGCCTGCCTGTCGCCTCCGTGACTTCCATGGAGCCCTTGGACCT-3'
Protein context (NP_000171.1, residues 193-213): LWVEAGRSLS[Thr203Met]ALRARGLPVA